The following is an entry in ClinVar:

ClinVar aggregate classification (germline): Uncertain significance. Review status: criteria provided, multiple submitters, no conflicts (2 of 4 stars). 2 submissions from 2 submitters: Uncertain significance (2). Last evaluated 2026-06-08.

Conditions:
Myofibrillar myopathy 5. Also called: Filaminopathy (type); FILAMINOPATHY, AUTOSOMAL DOMINANT. Identifiers: Orphanet 171445, MedGen C1836050, MONDO:0012289, OMIM 609524.
Distal myopathy with posterior leg and anterior hand involvement. Also called: WILLIAMS DISTAL MYOPATHY. Identifiers: Orphanet 63273, MedGen C3279722, MONDO:0013550, OMIM 614065.
Hypertrophic cardiomyopathy 26. Also called: Cardiomyopathy, familial hypertrophic, 26. Identifiers: Orphanet 75249, MedGen C4310749, MONDO:0014883, OMIM 617047.
FLNC-related disorder. Also called: FLNC-related condition; FLNC-related disorders.

gnomAD v4.1: 3 of 1,613,508 alleles (0.00019%); highest among the groups gnomAD compares: Non-Finnish European, 0.00025%; no homozygotes.

Submissions (2):

PreventionGenetics, part of Exact Sciences
Classification: Uncertain significance for FLNC-related condition. Last evaluated: 2026-06-08. Review status: criteria provided, single submitter. Criteria: ACMG Guidelines, 2015. Collection method: clinical testing. Allele origin: germline.
Comment: The FLNC c.2245G>C variant is predicted to result in the amino acid substitution p.Val749Leu. This variant has been reported as uncertain in an individual with pediatric hypertrophic cardiomyopathy (Azab et al. 2024. PubMed ID: 38956129). This variant is reported in 0.00089% of alleles in individuals of European (Non-Finnish) descent in gnomAD and is interpreted as uncertain in ClinVar (Variation ID: 1403635). At this time, the clinical significance of this variant is uncertain due to the absence of conclusive functional and genetic evidence.

Labcorp Genetics (formerly Invitae), Labcorp
Classification: Uncertain significance for Distal myopathy with posterior leg and anterior hand involvement; Myofibrillar myopathy 5; Hypertrophic cardiomyopathy 26. Last evaluated: 2021-10-06. Review status: criteria provided, single submitter. Criteria: Invitae Variant Classification Sherloc (09022015). Collection method: clinical testing. Allele origin: germline.
Comment: In summary, the available evidence is currently insufficient to determine the role of this variant in disease. Therefore, it has been classified as a Variant of Uncertain Significance. Algorithms developed to predict the effect of missense changes on protein structure and function are either unavailable or do not agree on the potential impact of this missense change (SIFT: "Deleterious"; PolyPhen-2: "Benign"; Align-GVGD: "Class C0"). This variant has not been reported in the literature in individuals affected with FLNC-related conditions. This variant is present in population databases (rs763901270, ExAC 0.002%). This sequence change replaces valine with leucine at codon 749 of the FLNC protein (p.Val749Leu). The valine residue is moderately conserved and there is a small physicochemical difference between valine and leucine.

NM_001458.5(FLNC):c.2245G>C (p.Val749Leu)

Gene: FLNC (filamin C; plus strand). Cytogenetic location: 7q32.1.
Variant type: single nucleotide variant.
Coding change: c.2245G>C on transcript NM_001458.5 (MANE Select); coding-DNA position 2245, G replaced by C.
Protein change: p.Val749Leu; replaces valine 749 with leucine.
Molecular consequence: missense variant.
Genome position (GRCh38, 1-based): chr7:128,842,354, G>C. VCF-style: chr7-128842354-G-C. GRCh37 (hg19) VCF-style: chr7-128482408-G-C.
Other names: c.2245G>C (NM_001458.4); c.2245G>C, p.Val749Leu (NM_001127487.2); short protein forms V749L.
Identifiers: ClinVar variation 1403635 (VCV001403635.7), dbSNP rs763901270, ClinGen allele CA4474651.